The following is an entry in ClinVar:

NM_001080397.3(SLC45A1):c.834C>T (p.Ser278=)

Gene: SLC45A1 (solute carrier family 45 member 1; plus strand). Cytogenetic location: 1p36.23.
Variant type: single nucleotide variant.
Coding change: c.834C>T on transcript NM_001080397.3 (MANE Select); coding-DNA position 834, C replaced by T.
Protein change: p.Ser278=; no amino-acid change (serine 278 retained).
Molecular consequence: synonymous variant.
Genome position (GRCh38, 1-based): chr1:8,330,327, C>T. VCF-style: chr1-8330327-C-T. GRCh37 (hg19) VCF-style: chr1-8390387-C-T.
Other names: c.834C>T, p.Ser278= (NM_001379614.1); c.741C>T, p.Ser247= (NM_001379615.1, NM_001379616.1); c.228C>T, p.Ser76= (NM_001379617.1, NM_001379618.1).
Identifiers: ClinVar variation 2570713 (VCV002570713.27), dbSNP rs143965615, ClinGen allele CA570231.

ClinVar aggregate classification (germline): Likely benign (1 of 4 stars; one submission).

Allele frequency attached by ClinVar (database versions not stated): gnomAD exomes 0.00003; ExAC 0.00009; gnomAD 0.00023; 1000 Genomes Project 30x 0.00031; ESP Exome Variant Server 0.00031; 1000 Genomes Project 0.00040.
gnomAD v4.1: 76 of 1,613,516 alleles (0.0047%); highest among the groups gnomAD compares: African/African-American, 0.084%; no homozygotes.

Submission:

CeGaT Center for Human Genetics Tuebingen
Classification: Likely benign. Last evaluated: 2023-04-01. Review status: criteria provided, single submitter. Criteria: CeGaT Center For Human Genetics Tuebingen Variant Classification Criteria Version 2. Collection method: clinical testing. Allele origin: germline. Affected: yes. Observed: 1 variant allele.
Comment: SLC45A1: BP4, BP7